The following is an entry in ClinVar:

ClinVar aggregate classification (germline): Uncertain significance (1 of 4 stars; one submission).

Conditions:
Cardiovascular phenotype. Identifiers: MedGen CN230736.

Submission:

Ambry Genetics
Classification: Uncertain significance for Cardiovascular phenotype. Last evaluated: 2026-04-23. Review status: criteria provided, single submitter. Criteria: Ambry Variant Classification Scheme 2023. Collection method: clinical testing. Allele origin: germline.
Comment: The p.P2821R variant (also known as c.8462C>G), located in coding exon 2 of the ZNF469 gene, results from a C to G substitution at nucleotide position 8462. The proline at codon 2821 is replaced by arginine, an amino acid with dissimilar properties. This amino acid position is conserved. In addition, this alteration is predicted to be tolerated by in silico analysis. Based on the available evidence, the clinical significance of this variant remains unclear.

NM_001367624.2(ZNF469):c.8546C>G (p.Pro2849Arg)

Gene: ZNF469 (zinc finger protein 469; plus strand). Cytogenetic location: 16q24.2.
Variant type: single nucleotide variant.
Coding change: c.8546C>G on transcript NM_001367624.2 (MANE Select); coding-DNA position 8546, C replaced by G.
Protein change: p.Pro2849Arg; replaces proline 2849 with arginine.
Molecular consequence: missense variant.
Genome position (GRCh38, 1-based): chr16:88,436,016, C>G. VCF-style: chr16-88436016-C-G. GRCh37 (hg19) VCF-style: chr16-88502424-C-G.
Other names: NM_001127464.1:c.8462C>G; short protein forms P2849R.
Identifiers: ClinVar variation 4867003 (VCV004867003.1).